The following is an entry in ClinVar:

NM_000478.6(ALPL):c.631A>G (p.Asn211Asp)

Gene: ALPL (alkaline phosphatase, biomineralization associated; plus strand). Cytogenetic location: 1p36.12.
Variant type: single nucleotide variant.
Coding change: c.631A>G on transcript NM_000478.6 (MANE Select); coding-DNA position 631, A replaced by G.
Protein change: p.Asn211Asp; replaces asparagine 211 with aspartic acid.
Molecular consequence: missense variant.
Genome position (GRCh38, 1-based): chr1:21,564,199, A>G. VCF-style: chr1-21564199-A-G. GRCh37 (hg19) VCF-style: chr1-21890692-A-G.
Other names: c.466A>G, p.Asn156Asp (NM_001127501.4); c.400A>G, p.Asn134Asp (NM_001177520.3); c.631A>G, p.Asn211Asp (NM_001369803.2, NM_001369804.2, NM_001369805.2); short protein forms N134D, N156D, N211D.
Identifiers: ClinVar variation 4086822 (VCV004086822.1).

ClinVar aggregate classification (germline): Uncertain significance (1 of 4 stars; one submission).

Conditions:
Hypophosphatasia. Also called: Phosphoethanol-aminuria. Identifiers: Orphanet 436, MedGen C0020630, MeSH D007014, MONDO:0018570.

Submission:

Genomenon, Inc
Classification: Uncertain significance for Hypophosphatasia. Last evaluated: 2025-08-29. Review status: criteria provided, single submitter. Criteria: Genomenon Sequence Variant Interpretation Standards. Collection method: curation. Allele origin: germline. Affected: yes.
Comment: ALPL c.631A>G is a missense variant that changes the amino acid at residue 211 from Asparagine to Aspartic acid. This variant has been observed in at least one proband affected with hypophosphatasia (PMID:11438998). It is absent or not present at a significant frequency in gnomAD. In silico models agree that this variant is possibly or probably damaging. In conclusion, we classify ALPL p.Asn211Asp (c.631A>G) as a variant of unknown significance.

Literature cited by the submitters: PubMed 11438998.